The following is an entry in ClinVar:

NM_022168.4(IFIH1):c.742T>C (p.Ser248Pro)

Gene: IFIH1 (interferon induced with helicase C domain 1; minus strand). Cytogenetic location: 2q24.2.
Variant type: single nucleotide variant.
Coding change: c.742T>C on transcript NM_022168.4 (MANE Select); coding-DNA position 742, T replaced by C.
Protein change: p.Ser248Pro; replaces serine 248 with proline.
Molecular consequence: missense variant.
Genome position (GRCh38, 1-based): chr2:162,306,736, A>G on the plus strand (T>C on the coding strand, the complement: IFIH1 is on the minus strand). VCF-style: chr2-162306736-A-G. GRCh37 (hg19) VCF-style: chr2-163163246-A-G.
Other names: c.742T>C (NM_022168.3); short protein forms S248P.
Identifiers: ClinVar variation 1683713 (VCV001683713.5), dbSNP rs1392840230, ClinGen allele CA349008225.
Genomic context (GRCh38, chr2:162,306,736, plus strand): 5'-TACTGTATTAAAGTACGTATGTGTTTCAAGTACCTGAAACTACAGAAGAATCTGCAAAAG[A>G]TGATTCTGATGAGTTATTCTCCATGCCCCAGACCTCCTTCTCCAGATTTGGCTGAACTGT-3'
Protein context (NP_071451.2, residues 238-258): WGMENNSSES[Ser248Pro]FADSSVVSES

ClinVar aggregate classification (germline): Uncertain significance. Review status: criteria provided, multiple submitters, no conflicts (2 of 4 stars). 3 submissions from 3 submitters: Uncertain significance (3). Last evaluated 2025-03-10.

Conditions:
Aicardi-Goutieres syndrome 7 (AGS7). Identifiers: Orphanet 51, MedGen C3888244, MONDO:0014367, OMIM 615846.
IFIH1-related disorder. Also called: IFIH1-related condition.
Singleton-Merten syndrome 1 (SGMRT1). Also called: Widened medullary cavities of bone, aortic calcification, abnormal dentition, and muscular weakness; Syndrome of widened medullary cavities of the metacarpals and phalanges, aortic calcification and abnormal dentition. Identifiers: Orphanet 85191, MedGen C4225427, MONDO:0024535, OMIM 182250.

Allele frequency attached by ClinVar (database versions not stated): gnomAD exomes below 0.00001.
gnomAD v4.1: 3 of 1,613,898 alleles (0.00019%); highest among the groups gnomAD compares: Non-Finnish European, 0.00017%; no homozygotes.

Submissions (3):

Labcorp Genetics (formerly Invitae), Labcorp
Classification: Uncertain significance for Aicardi-Goutieres syndrome 7; Singleton-Merten syndrome 1. Last evaluated: 2025-03-10. Review status: criteria provided, single submitter. Criteria: Invitae Variant Classification Sherloc (09022015). Collection method: clinical testing. Allele origin: germline.
Comment: This sequence change replaces serine, which is neutral and polar, with proline, which is neutral and non-polar, at codon 248 of the IFIH1 protein (p.Ser248Pro). This variant is not present in population databases (gnomAD no frequency). This variant has not been reported in the literature in individuals affected with IFIH1-related conditions. ClinVar contains an entry for this variant (Variation ID: 1683713). Invitae Evidence Modeling of protein sequence and biophysical properties (such as structural, functional, and spatial information, amino acid conservation, physicochemical variation, residue mobility, and thermodynamic stability) has been performed for this missense variant. However, the output from this modeling did not meet the statistical confidence thresholds required to predict the impact of this variant on IFIH1 protein function. In summary, the available evidence is currently insufficient to determine the role of this variant in disease. Therefore, it has been classified as a Variant of Uncertain Significance.

PreventionGenetics, part of Exact Sciences
Classification: Uncertain significance for IFIH1-related condition. Last evaluated: 2022-12-13. Review status: criteria provided, single submitter. Criteria: ACMG Guidelines, 2015. Collection method: clinical testing. Allele origin: germline.
Comment: The IFIH1 c.742T>C variant is predicted to result in the amino acid substitution p.Ser248Pro. To our knowledge, this variant has not been reported in the literature or in a large population database, indicating this variant is rare. At this time, the clinical significance of this variant is uncertain due to the absence of conclusive functional and genetic evidence.

Laboratorio de Genetica e Diagnostico Molecular, Hospital Israelita Albert Einstein
Classification: Uncertain significance for Aicardi-Goutieres syndrome 7. Last evaluated: 2021-06-15. Review status: criteria provided, single submitter. Criteria: ACMG Guidelines, 2015. Collection method: clinical testing. Allele origin: germline. Affected: yes.
Comment: ACMG classification criteria: PM2 moderate, BP4 supporting